The following is an entry in ClinVar:

NM_003664.5(AP3B1):c.1390G>C (p.Val464Leu)

Gene: AP3B1 (adaptor related protein complex 3 subunit beta 1; minus strand). Cytogenetic location: 5q14.1.
Variant type: single nucleotide variant.
Coding change: c.1390G>C on transcript NM_003664.5 (MANE Select); coding-DNA position 1390, G replaced by C.
Protein change: p.Val464Leu; replaces valine 464 with leucine.
Molecular consequence: missense variant.
Genome position (GRCh38, 1-based): chr5:78,156,341, C>G on the plus strand (G>C on the coding strand, the complement: AP3B1 is on the minus strand). VCF-style: chr5-78156341-C-G. GRCh37 (hg19) VCF-style: chr5-77452165-C-G.
Other names: c.1243G>C, p.Val415Leu (NM_001271769.2); c.1390G>C, p.Val464Leu (NM_001410752.1); short protein forms V464L, V415L.
Identifiers: ClinVar variation 1949150 (VCV001949150.3), dbSNP rs2531063609, ClinGen allele CA360189383.

ClinVar aggregate classification (germline): Uncertain significance. Review status: criteria provided, multiple submitters, no conflicts (2 of 4 stars). 2 submissions from 2 submitters: Uncertain significance (2). Last evaluated 2022-10-25.

Conditions:
Inborn genetic diseases. Identifiers: MedGen C0950123, MeSH D030342.
Hermansky-Pudlak syndrome 2 (HPS2). Also called: Platelet defects and oculocutaneous albinism. Identifiers: Orphanet 183678, Orphanet 79430, MedGen C1842362, MONDO:0011997, OMIM 608233.

Allele frequency attached by ClinVar (database versions not stated): gnomAD exomes 0.00001.
gnomAD v4.1: 7 of 1,613,102 alleles (0.00043%); highest among the groups gnomAD compares: Non-Finnish European, 0.00059%; no homozygotes.

Submissions (2):

Ambry Genetics
Classification: Uncertain significance for Inborn genetic diseases. Last evaluated: 2022-10-25. Review status: criteria provided, single submitter. Criteria: Ambry Variant Classification Scheme 2023. Collection method: clinical testing. Allele origin: germline.

Labcorp Genetics (formerly Invitae), Labcorp
Classification: Uncertain significance for Hermansky-Pudlak syndrome 2. Last evaluated: 2022-06-01. Review status: criteria provided, single submitter. Criteria: Invitae Variant Classification Sherloc (09022015). Collection method: clinical testing. Allele origin: germline.
Comment: This sequence change replaces valine, which is neutral and non-polar, with leucine, which is neutral and non-polar, at codon 464 of the AP3B1 protein (p.Val464Leu). This variant is not present in population databases (gnomAD no frequency). This variant has not been reported in the literature in individuals affected with AP3B1-related conditions. Algorithms developed to predict the effect of missense changes on protein structure and function are either unavailable or do not agree on the potential impact of this missense change (SIFT: "Deleterious"; PolyPhen-2: "Probably Damaging"; Align-GVGD: "Class C0"). In summary, the available evidence is currently insufficient to determine the role of this variant in disease. Therefore, it has been classified as a Variant of Uncertain Significance.